The following is an entry in ClinVar:

ClinVar aggregate classification (germline): Uncertain significance (1 of 4 stars; one submission).

Submission:

Labcorp Genetics (formerly Invitae), Labcorp
Classification: Uncertain significance. Last evaluated: 2025-12-28. Review status: criteria provided, single submitter. Criteria: Invitae Variant Classification Sherloc (09022015). Collection method: clinical testing. Allele origin: germline.
Comment: This sequence change replaces alanine, which is neutral and non-polar, with proline, which is neutral and non-polar, at codon 935 of the USP7 protein (p.Ala935Pro). This variant is not present in population databases (gnomAD no frequency). This variant has not been reported in the literature in individuals affected with USP7-related conditions. An algorithm developed to predict the effect of missense changes on protein structure and function (PolyPhen-2) suggests that this variant is likely to be tolerated. In summary, the available evidence is currently insufficient to determine the role of this variant in disease. Therefore, it has been classified as a Variant of Uncertain Significance.

NM_003470.3(USP7):c.2803G>C (p.Ala935Pro)

Gene: USP7 (ubiquitin specific peptidase 7; minus strand). Cytogenetic location: 16p13.2.
Variant type: single nucleotide variant.
Coding change: c.2803G>C on transcript NM_003470.3 (MANE Select); coding-DNA position 2803, G replaced by C.
Protein change: p.Ala935Pro; replaces alanine 935 with proline.
Molecular consequence: missense variant. On other transcripts: non-coding transcript variant (1).
Genome position (GRCh38, 1-based): chr16:8,897,015, C>G on the plus strand (G>C on the coding strand, the complement: USP7 is on the minus strand). VCF-style: chr16-8897015-C-G. GRCh37 (hg19) VCF-style: chr16-8990872-C-G.
Other names: c.2755G>C, p.Ala919Pro (NM_001286457.2); c.2506G>C, p.Ala836Pro (NM_001286458.2); c.2629G>C, p.Ala877Pro (NM_001321858.2); short protein forms A836P, A935P, A919P, A877P.
Identifiers: ClinVar variation 4733836 (VCV004733836.1).